The following is an entry in ClinVar:

NM_001277115.2(DNAH11):c.5622-7C>A

Gene: DNAH11 (dynein axonemal heavy chain 11; plus strand). Cytogenetic location: 7p15.3.
Variant type: single nucleotide variant.
Coding change: c.5622-7C>A on transcript NM_001277115.2 (MANE Select); 7 bases into the intron before coding-DNA position 5622, C replaced by A.
Molecular consequence: intron variant.
Genome position (GRCh38, 1-based): chr7:21,687,092, C>A. VCF-style: chr7-21687092-C-A. GRCh37 (hg19) VCF-style: chr7-21726710-C-A.
Identifiers: ClinVar variation 166999 (VCV000166999.18), dbSNP rs727503901, ClinGen allele CA233906.

ClinVar aggregate classification (germline): Conflicting classifications of pathogenicity. Review status: criteria provided, conflicting classifications (1 of 4 stars). 3 submissions from 3 submitters: Uncertain significance (1); Likely benign (1). 1 of the submissions does not count toward it. Last evaluated 2025-12-22.

Conditions:
Primary ciliary dyskinesia. Also called: Ciliary dyskinesia. Identifiers: Orphanet 244, MedGen C0008780, MONDO:0016575, HP:0012265.
DNAH11-related disorder. Also called: DNAH11-related condition.

Allele frequency attached by ClinVar (database versions not stated): gnomAD 0.00005 and 0.00006; TOPMed 0.00015; gnomAD exomes 0.00016; ExAC 0.00018.
gnomAD v4.1: 120 of 1,609,912 alleles (0.0075%); highest among the groups gnomAD compares: Admixed American, 0.051%; no homozygotes.

Submissions (3):

Labcorp Genetics (formerly Invitae), Labcorp
Classification: Likely benign for Primary ciliary dyskinesia. Last evaluated: 2025-12-22. Review status: criteria provided, single submitter. Criteria: Invitae Variant Classification Sherloc (09022015). Collection method: clinical testing. Allele origin: germline.

Eurofins Ntd Llc (ga)
Classification: Uncertain significance. Last evaluated: 2014-02-18. Review status: criteria provided, single submitter. Criteria: EGL Classification Definitions 2015. Collection method: clinical testing. Allele origin: germline. Observed: 1 variant allele, 1 heterozygote.

PreventionGenetics, part of Exact Sciences
Classification: Likely benign for DNAH11-related condition. Last evaluated: 2023-12-27. Review status: no assertion criteria provided. Collection method: clinical testing. Allele origin: germline. Not counted in ClinVar's aggregate classification.
Comment: This variant is classified as likely benign based on ACMG/AMP sequence variant interpretation guidelines (Richards et al. 2015 PMID: 25741868, with internal and published modifications).